The following is an entry in ClinVar:

NM_001165963.4(SCN1A):c.4002+2053T>C

Genes: SCN1A (sodium voltage-gated channel alpha subunit 1; minus strand), LOC102724058 (uncharacterized LOC102724058; plus strand). Cytogenetic location: 2q24.3.
Variant type: single nucleotide variant.
Coding change: c.4002+2053T>C on transcript NM_001165963.4 (MANE Select); 2053 bases into the intron after coding-DNA position 4002, T replaced by C.
Molecular consequence: intron variant.
Genome position (GRCh38, 1-based): chr2:166,007,666, A>G on the plus strand (T>C on the coding strand, the complement: SCN1A is on the minus strand). VCF-style: chr2-166007666-A-G. GRCh37 (hg19) VCF-style: chr2-166864176-A-G.
Other names: c.3969+2053T>C (NM_001353949.2, NM_001353950.2, NM_001353951.2 and 2 more transcripts); c.3918+2053T>C (NM_001353958.2, NM_001353957.2, NM_001165964.3); c.4002+2053T>C (NM_001202435.3, NM_001353948.2); c.3966+2053T>C (NM_001353955.2, NM_001353954.2); c.3915+2053T>C (NM_001353960.2); c.1560+2053T>C (NM_001353961.2).
Identifiers: ClinVar variation 1636417 (VCV001636417.9), dbSNP rs541854992, ClinGen allele CA59771714.

ClinVar aggregate classification (germline): Uncertain significance (1 of 4 stars; one submission).

Conditions:
Early-infantile DEE. Also called: Early infantile epileptic encephalopathy; Early infantile epileptic encephalopathy with suppression bursts; Ohtahara syndrome. Identifiers: Orphanet 1934, MedGen C0393706, MONDO:0800491.

Allele frequency attached by ClinVar (database versions not stated): gnomAD 0.00019 and 0.00022; 1000 Genomes Project 0.00020; TOPMed 0.00028; 1000 Genomes Project 30x 0.00031.
gnomAD v4.1: 31 of 151,542 alleles (0.02%); highest among the groups gnomAD compares: Non-Finnish European, 0.031%; no homozygotes.

Submission:

Labcorp Genetics (formerly Invitae), Labcorp
Classification: Uncertain significance for Early-infantile DEE. Last evaluated: 2025-12-25. Review status: criteria provided, single submitter. Criteria: Invitae Variant Classification Sherloc (09022015). Collection method: clinical testing. Allele origin: germline.
Comment: This sequence change falls in intron 20 of the SCN1A gene. It does not directly change the encoded amino acid sequence of the SCN1A protein. However, this sequence change falls within a region encompassing a cryptic exon in the SCN1A gene, in which variants have been shown to alter splicing (PMID: 30526861, 34107977). This variant is present in population databases (rs541854992, gnomAD 0.02%). This variant has not been reported in the literature in individuals affected with SCN1A-related conditions. ClinVar contains an entry for this variant (Variation ID: 1636417). Algorithms developed to predict the effect of sequence changes on RNA splicing suggest that this variant is not likely to affect RNA splicing. In summary, the available evidence is currently insufficient to determine the role of this variant in disease. Therefore, it has been classified as a Variant of Uncertain Significance.

Literature cited by the submitters: PubMed 30526861; PubMed 34107977.